The following is an entry in ClinVar:

NM_181523.3(PIK3R1):c.2171G>A (p.Arg724Gln)

Gene: PIK3R1 (phosphoinositide-3-kinase regulatory subunit 1; plus strand). Cytogenetic location: 5q13.1.
Variant type: single nucleotide variant.
Coding change: c.2171G>A on transcript NM_181523.3 (MANE Select); coding-DNA position 2171, G replaced by A.
Protein change: p.Arg724Gln; replaces arginine 724 with glutamine.
Molecular consequence: missense variant.
Genome position (GRCh38, 1-based): chr5:68,297,597, G>A. VCF-style: chr5-68297597-G-A. GRCh37 (hg19) VCF-style: chr5-67593425-G-A.
Other names: c.1271G>A, p.Arg424Gln (NM_181524.2); c.1082G>A, p.Arg361Gln (NM_001242466.2); c.1361G>A, p.Arg454Gln (NM_181504.4); short protein forms R454Q, R424Q, R361Q, R724Q.
Identifiers: ClinVar variation 2939082 (VCV002939082.3), dbSNP rs751430232, ClinGen allele CA3290561.

ClinVar aggregate classification (germline): Uncertain significance (1 of 4 stars; one submission).

Conditions:
SHORT syndrome. Also called: LIPODYSTROPHY, PARTIAL, WITH RIEGER ANOMALY AND SHORT STATURE; PIK3R1-Related SHORT Syndrome; SHORT STATURE, HYPEREXTENSIBILITY, HERNIA, OCULAR DEPRESSION, RIEGER ANOMALY, AND TEETHING DELAY. Identifiers: Orphanet 3163, MedGen C0878684, MONDO:0010026, OMIM 269880.
Agammaglobulinemia 7, autosomal recessive (AGM7). Also called: AGAMMAGLOBULINEMIA, AUTOSOMAL RECESSIVE, DUE TO PIK3R1 DEFECT. Identifiers: MedGen C3554689, MONDO:0014083, OMIM 615214.
Immunodeficiency 36 with lymphoproliferation. Also called: Immunodeficiency 36; ACTIVATED PI3K-DELTA SYNDROME 2; Activated PI3K Delta Syndrome Type 2 (APDS2). Identifiers: Orphanet 397596, Orphanet 693681, MedGen C4014934, MONDO:0014453, OMIM 616005.

Allele frequency attached by ClinVar (database versions not stated): ExAC 0.00001.
gnomAD v4.1: 17 of 1,613,102 alleles (0.0011%); highest among the groups gnomAD compares: African/African-American, 0.0013%; no homozygotes.

Submission:

Labcorp Genetics (formerly Invitae), Labcorp
Classification: Uncertain significance for SHORT syndrome; Immunodeficiency 36 with lymphoproliferation; Agammaglobulinemia 7, autosomal recessive. Last evaluated: 2023-06-17. Review status: criteria provided, single submitter. Criteria: Invitae Variant Classification Sherloc (09022015). Collection method: clinical testing. Allele origin: germline.
Comment: In summary, the available evidence is currently insufficient to determine the role of this variant in disease. Therefore, it has been classified as a Variant of Uncertain Significance. An algorithm developed to predict the effect of missense changes on protein structure and function (PolyPhen-2) suggests that this variant is likely to be disruptive. This variant has not been reported in the literature in individuals affected with PIK3R1-related conditions. This variant is present in population databases (rs751430232, gnomAD 0.003%). This sequence change replaces arginine, which is basic and polar, with glutamine, which is neutral and polar, at codon 724 of the PIK3R1 protein (p.Arg724Gln).